The following is an entry in ClinVar:

NM_000222.3(KIT):c.2005A>T (p.Ile669Phe)

Gene: KIT (KIT proto-oncogene, receptor tyrosine kinase; plus strand). Cytogenetic location: 4q12.
Variant type: single nucleotide variant.
Coding change: c.2005A>T on transcript NM_000222.3 (MANE Select); coding-DNA position 2005, A replaced by T.
Protein change: p.Ile669Phe; replaces isoleucine 669 with phenylalanine.
Molecular consequence: missense variant.
Genome position (GRCh38, 1-based): chr4:54,729,349, A>T. VCF-style: chr4-54729349-A-T. GRCh37 (hg19) VCF-style: chr4-55595515-A-T.
Other names: c.2008A>T, p.Ile670Phe (NM_001385284.1, NM_001385290.1); c.2005A>T, p.Ile669Phe (NM_001385285.1); c.1993A>T, p.Ile665Phe (NM_001385286.1, NM_001093772.2); c.1996A>T, p.Ile666Phe (NM_001385288.1, NM_001385292.1); short protein forms I670F, I665F, I669F, I666F.
Identifiers: ClinVar variation 4844001 (VCV004844001.1).

ClinVar aggregate classification (germline): Uncertain significance (1 of 4 stars; one submission).

Conditions:
Hereditary cancer-predisposing syndrome. Also called: Neoplastic Syndromes, Hereditary; Tumor predisposition; Hereditary Cancer Syndrome; Hereditary neoplastic syndrome. Identifiers: Orphanet 140162, MedGen C0027672, MeSH D009386, MONDO:0015356.

Submission:

Ambry Genetics
Classification: Uncertain significance for Hereditary cancer-predisposing syndrome. Last evaluated: 2025-12-29. Review status: criteria provided, single submitter. Criteria: Ambry Variant Classification Scheme 2023. Collection method: clinical testing. Allele origin: germline.
Comment: The p.I669F variant (also known as c.2005A>T), located in coding exon 14 of the KIT gene, results from an A to T substitution at nucleotide position 2005. The isoleucine at codon 669 is replaced by phenylalanine, an amino acid with highly similar properties. This amino acid position is conserved. In addition, this alteration is predicted to be deleterious by in silico analysis. Based on the available evidence, the clinical significance of this variant remains unclear.